The following is an entry in ClinVar:

NM_003036.4(SKI):c.52C>T (p.Gln18Ter)

Gene: SKI (SKI proto-oncogene; plus strand). Cytogenetic location: 1p36.33.
Variant type: single nucleotide variant.
Coding change: c.52C>T on transcript NM_003036.4 (MANE Select); coding-DNA position 52, C replaced by T.
Protein change: p.Gln18Ter; replaces glutamine 18 with a stop codon.
Molecular consequence: nonsense.
Genome position (GRCh38, 1-based): chr1:2,228,818, C>T. VCF-style: chr1-2228818-C-T. GRCh37 (hg19) VCF-style: chr1-2160257-C-T.
Other names: short protein forms Q18*.
Identifiers: ClinVar variation 4994066 (VCV004994066.1).

ClinVar aggregate classification (germline): Uncertain significance (1 of 4 stars; one submission).

Conditions:
SKI-related disorder. Also called: SKI-related condition.

Submission:

PreventionGenetics, part of Exact Sciences
Classification: Uncertain significance for SKI-related condition. Last evaluated: 2025-12-22. Review status: criteria provided, single submitter. Criteria: ACMG Guidelines, 2015. Collection method: clinical testing. Allele origin: germline.
Comment: The SKI c.52C>T variant is predicted to result in premature protein termination (p.Gln18*). To our knowledge, this variant has not been reported in the literature or in a large population database (gnomAD), indicating this variant is rare. At this time, the clinical significance of this variant is uncertain due to the absence of conclusive functional and genetic evidence.